The following is an entry in ClinVar:

NM_000179.3(MSH6):c.3557-5_3557-4dup

Gene: MSH6 (mutS homolog 6; plus strand). Cytogenetic location: 2p16.3.
Variant type: Duplication.
Coding change: c.3557-5_3557-4dup on transcript NM_000179.3 (MANE Select); 5 bases into the intron before coding-DNA position 3557 through 4 bases into the intron before coding-DNA position 3557, 2 bases duplicated (TT; older notation c.3557-5_3557-4dupTT).
Molecular consequence: intron variant.
Genome position (GRCh38, 1-based): chr2:47,805,613-47,805,614, TT duplicated; duplicating any 2 consecutive bases within chr2:47,805,602-47,805,614 gives the same sequence; the c. name uses the placement nearest the transcript's 3' end. VCF-style (leftmost placement, unchanged base first): chr2-47805601-A-ATT. GRCh37 (hg19) VCF-style: chr2-48032740-A-ATT.
Other names: c.3557-5_3557-4dupTT (NM_000179.3); c.2651-5_2651-4dup (NM_001281493.2, NM_001281494.2); c.3167-5_3167-4dup (NM_001281492.2).
Identifiers: ClinVar variation 1328096 (VCV001328096.14), dbSNP rs267608102, ClinGen allele CA1649456.

ClinVar aggregate classification (germline): Benign/Likely benign. Review status: criteria provided, multiple submitters, no conflicts (2 of 4 stars). 7 submissions from 7 submitters: Benign (3); Likely benign (2). 2 of the submissions do not count toward it. Last evaluated 2025-03-04.

Conditions:
Hereditary cancer-predisposing syndrome. Also called: Neoplastic Syndromes, Hereditary; Tumor predisposition; Hereditary neoplastic syndrome; Hereditary Cancer Syndrome. Identifiers: Orphanet 140162, MedGen C0027672, MeSH D009386, MONDO:0015356.
Lynch syndrome. Identifiers: Orphanet 144, MedGen C4552100, MONDO:0005835. Disease mechanism: loss of function.
Lynch syndrome 5 (LYNCH5). Also called: Colorectal cancer, hereditary nonpolyposis, type 5; Hereditary non-polyposis colorectal cancer, type 5. Identifiers: Orphanet 144, MedGen C1833477, MONDO:0013710, OMIM 614350. Disease mechanism: loss of function.

Submissions (7):

Center for Genomic Medicine, Rigshospitalet, Copenhagen University Hospital
Classification: Benign. Last evaluated: 2025-03-04. Review status: criteria provided, single submitter. Criteria: ACMG Guidelines, 2015. Collection method: clinical testing. Allele origin: germline.

Myriad Genetics, Inc.
Classification: Benign for Lynch syndrome 5. Last evaluated: 2025-01-07. Review status: criteria provided, single submitter. Criteria: Myriad Autosomal Dominant, Autosomal Recessive and X-Linked Classification Criteria (2023). Collection method: clinical testing. Allele origin: unknown.
Comment: This variant is considered benign. This variant is intronic and is not expected to impact mRNA splicing. This variant is strongly associated with less severe personal and family histories of cancer, typical for individuals without pathogenic variants in this gene [PMID: 27363726].

Blueprint Genetics
Classification: Likely benign. Last evaluated: 2024-11-22. Review status: criteria provided, single submitter. Criteria: ACMG Guidelines, 2015. Collection method: clinical testing. Allele origin: germline.

Department of Pathology and Laboratory Medicine, Sinai Health System
Classification: Likely benign for Lynch syndrome. Last evaluated: 2023-11-16. Review status: criteria provided, single submitter. Criteria: ACMG Guidelines, 2015. Collection method: clinical testing. Allele origin: germline. Affected: yes.

Ambry Genetics
Classification: Benign for Hereditary cancer-predisposing syndrome. Last evaluated: 2020-07-06. Review status: criteria provided, single submitter. Criteria: Ambry Variant Classification Scheme 2023. Collection method: clinical testing. Allele origin: germline.

Clinical Genetics, Academic Medical Center
Classification: Benign. Review status: no assertion criteria provided. Collection method: clinical testing. Allele origin: germline. Affected: yes. Study: VKGL Data-share Consensus. Not counted in ClinVar's aggregate classification.

Laboratory of Diagnostic Genome Analysis, Leiden University Medical Center (LUMC)
Classification: Benign. Review status: no assertion criteria provided. Collection method: clinical testing. Allele origin: germline. Affected: yes. Study: VKGL Data-share Consensus. Not counted in ClinVar's aggregate classification.

Literature cited by the submitters: PubMed 27363726 (cited by Myriad Genetics, Inc.).